The following is an entry in ClinVar:

ClinVar aggregate classification (germline): Likely benign. Review status: criteria provided, multiple submitters, no conflicts (2 of 4 stars). 7 submissions from 7 submitters: Likely benign (6). 1 of the submissions does not count toward it. Last evaluated 2026-01-26.

Conditions:
NTHL1-related disorder. Also called: NTHL1-related conditions; NTHL1-related condition.
Familial adenomatous polyposis 3. Also called: NTHL1-associated polyposis; NTHL1-Related Adenomatous Polyposis and Colorectal Cancer; NTHL1-related attenuated familial adenomatous polyposis; NTHL1 Tumor Syndrome. Identifiers: Orphanet 220460, Orphanet 454840, MedGen C4225157, MONDO:0014630, OMIM 616415.
Hereditary cancer-predisposing syndrome. Also called: Hereditary Cancer Syndrome; Neoplastic Syndromes, Hereditary; Tumor predisposition; Hereditary neoplastic syndrome. Identifiers: Orphanet 140162, MedGen C0027672, MeSH D009386, MONDO:0015356.

Allele frequency attached by ClinVar (database versions not stated): gnomAD 0.00006 and 0.00009; TOPMed 0.00006; gnomAD exomes 0.00012 and 0.00019; 1000 Genomes Project 0.00020; ExAC 0.00024; 1000 Genomes Project 30x 0.00031.
gnomAD v4.1: 182 of 1,612,098 alleles (0.011%); highest among the groups gnomAD compares: South Asian, 0.098%; no homozygotes.

Submissions (7):

Labcorp Genetics (formerly Invitae), Labcorp
Classification: Likely benign. Last evaluated: 2026-01-26. Review status: criteria provided, single submitter. Criteria: Invitae Variant Classification Sherloc (09022015). Collection method: clinical testing. Allele origin: germline.

Center for Genomic Medicine, Rigshospitalet, Copenhagen University Hospital
Classification: Likely benign. Last evaluated: 2025-03-04. Review status: criteria provided, single submitter. Criteria: ACMG Guidelines, 2015. Collection method: clinical testing. Allele origin: germline.

Department of Pathology and Laboratory Medicine, Sinai Health System
Classification: Likely benign for Familial adenomatous polyposis 3. Last evaluated: 2024-07-23. Review status: criteria provided, single submitter. Criteria: ACMG Guidelines, 2015. Collection method: clinical testing. Allele origin: germline.

Sema4
Classification: Likely benign for Hereditary cancer-predisposing syndrome. Last evaluated: 2021-07-02. Review status: criteria provided, single submitter. Criteria: Sema4 Curation Guidelines. Collection method: curation. Allele origin: germline.

GeneDx
Classification: Likely benign. Last evaluated: 2019-10-02. Review status: criteria provided, single submitter. Criteria: GeneDx Variant Classification Process June 2021. Collection method: clinical testing. Allele origin: germline. Affected: yes.

Ambry Genetics
Classification: Likely benign for Hereditary cancer-predisposing syndrome. Last evaluated: 2018-12-26. Review status: criteria provided, single submitter. Criteria: Ambry Variant Classification Scheme 2023. Collection method: clinical testing. Allele origin: germline.

PreventionGenetics, part of Exact Sciences
Classification: Likely benign for NTHL1-related condition. Last evaluated: 2019-11-26. Review status: no assertion criteria provided. Collection method: clinical testing. Allele origin: germline. Not counted in ClinVar's aggregate classification.
Comment: This variant is classified as likely benign based on ACMG/AMP sequence variant interpretation guidelines (Richards et al. 2015 PMID: 25741868, with internal and published modifications).

NM_002528.7(NTHL1):c.576C>T (p.Tyr192=)

Gene: NTHL1 (nth like DNA glycosylase 1; minus strand). Cytogenetic location: 16p13.3.
Variant type: single nucleotide variant.
Coding change: c.576C>T on transcript NM_002528.7 (MANE Select); coding-DNA position 576, C replaced by T.
Protein change: p.Tyr192=; no amino-acid change (tyrosine 192 retained).
Molecular consequence: synonymous variant.
Genome position (GRCh38, 1-based): chr16:2,043,676, G>A on the plus strand (C>T on the coding strand, the complement: NTHL1 is on the minus strand). VCF-style: chr16-2043676-G-A. GRCh37 (hg19) VCF-style: chr16-2093677-G-A.
Other names: c.405C>T, p.Tyr135= (NM_001318193.2); c.246C>T, p.Tyr82= (NM_001318194.2).
Identifiers: ClinVar variation 741376 (VCV000741376.24), dbSNP rs541989951, ClinGen allele CA7828200.